The following is an entry in ClinVar:

NM_175914.5(HNF4A):c.*785G>A

Gene: HNF4A (hepatocyte nuclear factor 4 alpha; plus strand). Cytogenetic location: 20q13.12.
Variant type: single nucleotide variant.
Coding change: c.*785G>A on transcript NM_175914.5 (MANE Select); 785 bases downstream of the stop codon, G replaced by A.
Molecular consequence: 3 prime UTR variant.
Genome position (GRCh38, 1-based): chr20:44,430,450, G>A. VCF-style: chr20-44430450-G-A. GRCh37 (hg19) VCF-style: chr20-43059090-G-A.
Other names: c.*785G>A (NM_000457.6, NM_001030003.3, NM_001258355.2 and 3 more transcripts).
Identifiers: ClinVar variation 897217 (VCV000897217.5), dbSNP rs557646293, ClinGen allele CA315421441.

ClinVar aggregate classification (germline): Benign/Likely benign. Review status: criteria provided, multiple submitters, no conflicts (2 of 4 stars). 3 submissions from 2 submitters: Benign (2); Likely benign (1). Last evaluated 2018-01-13.

Conditions:
Maturity-onset diabetes of the young type 1. Also called: MODY type 1; Diabetes mellitus MODY type 1; MODY HNF4A related; MILD JUVENILE DIABETES MELLITUS; HNF4A-Related Maturity-Onset Diabetes of the Young Type 1; MODY, type I. Identifiers: Orphanet 552, MedGen C1852093, MONDO:0007452, OMIM 125850. Disease mechanism: loss of function.
Maturity-onset diabetes of the young (MODY). Also called: Maturity onset diabetes mellitus in young. Identifiers: Orphanet 552, MedGen C0342276, MONDO:0018911, HP:0004904.
Familial hyperinsulinism. Also called: Congenital hyperinsulinism. Identifiers: Orphanet 276525, MedGen C3888018, MONDO:0017182. Disease mechanism: loss of function.

Allele frequency attached by ClinVar (database versions not stated): gnomAD 0.00198 and 0.00213; TOPMed 0.00213; 1000 Genomes Project 0.00240; 1000 Genomes Project 30x 0.00250.

Submissions (3):

Illumina Laboratory Services, Illumina
Classification: Benign for Maturity-onset diabetes of the young type 1. Last evaluated: 2018-01-13. Review status: criteria provided, single submitter. Criteria: ICSL Variant Classification Criteria 13 December 2019. Collection method: clinical testing. Allele origin: germline.
Comment: This variant was observed in the ICSL laboratory as part of a predisposition screen in an ostensibly healthy population. It had not been previously curated by ICSL or reported in the Human Gene Mutation Database (HGMD: prior to June 1st, 2018), and was therefore a candidate for classification through an automated scoring system. Utilizing variant allele frequency, disease prevalence and penetrance estimates, and inheritance mode, an automated score was calculated to assess if this variant is too frequent to cause the disease. Based on the score and internal cut-off values, a variant classified as benign is not then subjected to further curation. The score for this variant resulted in a classification of benign for this disease.

Illumina Laboratory Services, Illumina
Classification: Likely benign for Familial hyperinsulinism. Last evaluated: 2018-01-13. Review status: criteria provided, single submitter. Criteria: ICSL Variant Classification Criteria 13 December 2019. Collection method: clinical testing. Allele origin: germline.
Comment: This variant was observed in the ICSL laboratory as part of a predisposition screen in an ostensibly healthy population. It had not been previously curated by ICSL or reported in the Human Gene Mutation Database (HGMD: prior to June 1st, 2018), and was therefore a candidate for classification through an automated scoring system. Utilizing variant allele frequency, disease prevalence and penetrance estimates, and inheritance mode, an automated score was calculated to assess if this variant is too frequent to cause the disease. Based on the score and internal cut-off values, a variant classified as likely benign is not then subjected to further curation. The score for this variant resulted in a classification of likely benign for this disease.

Clinical Genomics, Uppaluri K&H Personalized Medicine Clinic
Classification: Benign for Maturity-onset diabetes of the young. Review status: criteria provided, single submitter. Criteria: K & H Uppaluri Personalized Medicine Clinic Variant Classification & Assertion Criteria_Updated V.1. Collection method: research. Allele origin: unknown. Inheritance: Autosomal dominant inheritance.
Comment: Potent mutations in HNF4A are associated with poor insulin secretion in response to hyperglycemia. Associated with MODY1. Patients initially respond well to sulfonylureas but eventually become insulin dependent. However, more evidence is required to ascertain the role of this particular variant rs557646293 in MODY, yet.

Literature cited by the submitters: DOI 10.1159/000334532 (cited by Clinical Genomics, Uppaluri K&H Personalized Medicine Clinic); PubMed 18268044 (cited by Clinical Genomics, Uppaluri K&H Personalized Medicine Clinic); PubMed 17563455 (cited by Clinical Genomics, Uppaluri K&H Personalized Medicine Clinic); PubMed 32583173 (cited by Clinical Genomics, Uppaluri K&H Personalized Medicine Clinic); PubMed 35052457 (cited by Clinical Genomics, Uppaluri K&H Personalized Medicine Clinic); PubMed 35118593 (cited by Clinical Genomics, Uppaluri K&H Personalized Medicine Clinic).